The following is an entry in ClinVar:

NM_001372.4(DNAH9):c.892G>C (p.Asp298His)

Gene: DNAH9 (dynein axonemal heavy chain 9; plus strand). Cytogenetic location: 17p12.
Variant type: single nucleotide variant.
Coding change: c.892G>C on transcript NM_001372.4 (MANE Select); coding-DNA position 892, G replaced by C.
Protein change: p.Asp298His; replaces aspartic acid 298 with histidine.
Molecular consequence: missense variant.
Genome position (GRCh38, 1-based): chr17:11,611,768, G>C. VCF-style: chr17-11611768-G-C. GRCh37 (hg19) VCF-style: chr17-11515085-G-C.
Other names: c.892G>C (NM_001372.3); short protein forms D298H.
Identifiers: ClinVar variation 2084628 (VCV002084628.3), dbSNP rs745710699, ClinGen allele CA8394671.

ClinVar aggregate classification (germline): Uncertain significance. Review status: criteria provided, multiple submitters, no conflicts (2 of 4 stars). 2 submissions from 2 submitters: Uncertain significance (2). Last evaluated 2025-06-24.

Conditions:
Inborn genetic diseases. Identifiers: MedGen C0950123, MeSH D030342.

Allele frequency attached by ClinVar (database versions not stated): gnomAD 0.00003; gnomAD exomes 0.00004; ExAC 0.00005; TOPMed 0.00006.
gnomAD v4.1: 27 of 1,614,114 alleles (0.0017%); highest among the groups gnomAD compares: Admixed American, 0.04%; 1 homozygote.

Submissions (2):

Ambry Genetics
Classification: Uncertain significance for Inborn genetic diseases. Last evaluated: 2025-06-24. Review status: criteria provided, single submitter. Criteria: Ambry Variant Classification Scheme 2023. Collection method: clinical testing. Allele origin: germline.

Labcorp Genetics (formerly Invitae), Labcorp
Classification: Uncertain significance. Last evaluated: 2024-01-02. Review status: criteria provided, single submitter. Criteria: Invitae Variant Classification Sherloc (09022015). Collection method: clinical testing. Allele origin: germline.
Comment: This sequence change replaces aspartic acid, which is acidic and polar, with histidine, which is basic and polar, at codon 298 of the DNAH9 protein (p.Asp298His). This variant is present in population databases (rs745710699, gnomAD 0.06%), including at least one homozygous and/or hemizygous individual. This variant has not been reported in the literature in individuals affected with DNAH9-related conditions. ClinVar contains an entry for this variant (Variation ID: 2084628). Advanced modeling of protein sequence and biophysical properties (such as structural, functional, and spatial information, amino acid conservation, physicochemical variation, residue mobility, and thermodynamic stability) performed at Invitae indicates that this missense variant is expected to disrupt DNAH9 protein function with a positive predictive value of 80%. In summary, the available evidence is currently insufficient to determine the role of this variant in disease. Therefore, it has been classified as a Variant of Uncertain Significance.